The following is an entry in ClinVar:

ClinVar aggregate classification (germline): Uncertain significance (1 of 4 stars; one submission).

Conditions:
Early-infantile DEE. Also called: Ohtahara syndrome; Early infantile epileptic encephalopathy with suppression bursts; Early infantile epileptic encephalopathy. Identifiers: Orphanet 1934, MedGen C0393706, MONDO:0800491.

gnomAD v4.1: 44 of 1,613,940 alleles (0.0027%); highest among the groups gnomAD compares: Non-Finnish European, 0.0036%; no homozygotes.

Submission:

Labcorp Genetics (formerly Invitae), Labcorp
Classification: Uncertain significance for Early-infantile DEE. Last evaluated: 2025-11-08. Review status: criteria provided, single submitter. Criteria: Invitae Variant Classification Sherloc (09022015). Collection method: clinical testing. Allele origin: germline.
Comment: This sequence change replaces asparagine, which is neutral and polar, with lysine, which is basic and polar, at codon 853 of the HCN1 protein (p.Asn853Lys). This variant is not present in population databases (gnomAD no frequency). This missense change has been observed in individual(s) with clinical features of HCN1-related conditions (internal data). ClinVar contains an entry for this variant (Variation ID: 1061667). Invitae Evidence Modeling of protein sequence and biophysical properties (such as structural, functional, and spatial information, amino acid conservation, physicochemical variation, residue mobility, and thermodynamic stability) indicates that this missense variant is not expected to disrupt HCN1 protein function with a negative predictive value of 95%. In summary, the available evidence is currently insufficient to determine the role of this variant in disease. Therefore, it has been classified as a Variant of Uncertain Significance.

NM_021072.4(HCN1):c.2559C>A (p.Asn853Lys)

Gene: HCN1 (hyperpolarization activated cyclic nucleotide gated potassium channel 1; minus strand). Cytogenetic location: 5p12.
Variant type: single nucleotide variant.
Coding change: c.2559C>A on transcript NM_021072.4 (MANE Select); coding-DNA position 2559, C replaced by A.
Protein change: p.Asn853Lys; replaces asparagine 853 with lysine.
Molecular consequence: missense variant.
Genome position (GRCh38, 1-based): chr5:45,262,035, G>T on the plus strand (C>A on the coding strand, the complement: HCN1 is on the minus strand). VCF-style: chr5-45262035-G-T. GRCh37 (hg19) VCF-style: chr5-45262137-G-T.
Other names: short protein forms N853K.
Identifiers: ClinVar variation 1061667 (VCV001061667.10), dbSNP rs140186173, ClinGen allele CA359703101.
Genomic context (GRCh38, chr5:45,262,035, plus strand): 5'-TGAGGAAGATTCTCTTGGAAGAGCAGCTGCTGGTGGAGGGGGTGCTGGAGGGACTCCTCG[G>T]TTCGGGGGGATGGCTCCCGACGACATCTGTCGGAAGAGGGTGACGCGCTGCGGGACAGTG-3'
Protein context (NP_066550.2, residues 843-863): RQMSSGAIPP[Asn853Lys]RGVPPAPPPP